The following is an entry in ClinVar:

ClinVar aggregate classification (germline): Likely benign (1 of 4 stars; one submission).

Conditions:
PROK2-related disorder. Also called: PROK2-related condition.

gnomAD v4.1: 17 of 1,613,764 alleles (0.0011%); highest among the groups gnomAD compares: Non-Finnish European, 0.0014%; no homozygotes.

Submission:

PreventionGenetics, part of Exact Sciences
Classification: Likely benign for PROK2-related condition. Last evaluated: 2025-06-10. Review status: criteria provided, single submitter. Criteria: ACMG Guidelines, 2015. Collection method: clinical testing. Allele origin: germline.
Comment: This variant is classified as likely benign based on ACMG/AMP sequence variant interpretation guidelines (Richards et al. 2015 PMID: 25741868, with internal and published modifications).

NM_001126128.2(PROK2):c.180T>C (p.Pro60=)

Gene: PROK2 (prokineticin 2; minus strand). Cytogenetic location: 3p13.
Variant type: single nucleotide variant.
Coding change: c.180T>C on transcript NM_001126128.2 (MANE Select); coding-DNA position 180, T replaced by C.
Protein change: p.Pro60=; no amino-acid change (proline 60 retained).
Molecular consequence: synonymous variant.
Genome position (GRCh38, 1-based): chr3:71,781,509, A>G on the plus strand (T>C on the coding strand, the complement: PROK2 is on the minus strand). VCF-style: chr3-71781509-A-G. GRCh37 (hg19) VCF-style: chr3-71830660-A-G.
Other names: c.180T>C, p.Pro60= (NM_021935.4).
Identifiers: ClinVar variation 5001151 (VCV005001151.1).